The following is an entry in ClinVar:

NM_032120.4(RBM48):c.134C>G (p.Ser45Cys)

Gene: RBM48 (RNA binding motif protein 48; plus strand). Cytogenetic location: 7q21.2.
Variant type: single nucleotide variant.
Coding change: c.134C>G on transcript NM_032120.4 (MANE Select); coding-DNA position 134, C replaced by G.
Protein change: p.Ser45Cys; replaces serine 45 with cysteine.
Molecular consequence: missense variant. On other transcripts: 5 prime UTR variant (1).
Genome position (GRCh38, 1-based): chr7:92,529,498, C>G. VCF-style: chr7-92529498-C-G. GRCh37 (hg19) VCF-style: chr7-92158812-C-G.
Other names: c.134C>G, p.Ser45Cys (NM_001363366.1); c.-556C>G (NM_001363367.1); short protein forms S45C.
Identifiers: ClinVar variation 3681468 (VCV003681468.2).

ClinVar aggregate classification (germline): Uncertain significance (1 of 4 stars; one submission).

Submission:

Labcorp Genetics (formerly Invitae), Labcorp
Classification: Uncertain significance. Last evaluated: 2024-02-03. Review status: criteria provided, single submitter. Criteria: Invitae Variant Classification Sherloc (09022015). Collection method: clinical testing. Allele origin: germline.
Comment: This sequence change replaces serine, which is neutral and polar, with cysteine, which is neutral and slightly polar, at codon 45 of the RBM48 protein (p.Ser45Cys). This variant is not present in population databases (gnomAD no frequency). This variant has not been reported in the literature in individuals affected with RBM48-related conditions. Advanced modeling of protein sequence and biophysical properties (such as structural, functional, and spatial information, amino acid conservation, physicochemical variation, residue mobility, and thermodynamic stability) performed at Invitae indicates that this missense variant is expected to disrupt RBM48 protein function with a positive predictive value of 80%. In summary, the available evidence is currently insufficient to determine the role of this variant in disease. Therefore, it has been classified as a Variant of Uncertain Significance.